The following is an entry in ClinVar:

ClinVar aggregate classification (germline): Uncertain significance (1 of 4 stars; one submission).

Allele frequency attached by ClinVar (database versions not stated): ExAC 0.00002; gnomAD 0.00004; TOPMed 0.00007; ESP Exome Variant Server 0.00023.
gnomAD v4.1: 7 of 1,613,992 alleles (0.00043%); highest among the groups gnomAD compares: African/African-American, 0.0093%; no homozygotes.

Submission:

Labcorp Genetics (formerly Invitae), Labcorp
Classification: Uncertain significance. Last evaluated: 2025-01-27. Review status: criteria provided, single submitter. Criteria: Invitae Variant Classification Sherloc (09022015). Collection method: clinical testing. Allele origin: germline.
Comment: This sequence change replaces leucine, which is neutral and non-polar, with phenylalanine, which is neutral and non-polar, at codon 441 of the ALPK1 protein (p.Leu441Phe). This variant is present in population databases (rs138466451, gnomAD 0.03%). This variant has not been reported in the literature in individuals affected with ALPK1-related conditions. ClinVar contains an entry for this variant (Variation ID: 1913976). Invitae Evidence Modeling of protein sequence and biophysical properties (such as structural, functional, and spatial information, amino acid conservation, physicochemical variation, residue mobility, and thermodynamic stability) indicates that this missense variant is expected to disrupt ALPK1 protein function with a positive predictive value of 80%. In summary, the available evidence is currently insufficient to determine the role of this variant in disease. Therefore, it has been classified as a Variant of Uncertain Significance.

NM_025144.4(ALPK1):c.1323G>C (p.Leu441Phe)

Gene: ALPK1 (alpha kinase 1; plus strand). Cytogenetic location: 4q25.
Variant type: single nucleotide variant.
Coding change: c.1323G>C on transcript NM_025144.4 (MANE Select); coding-DNA position 1323, G replaced by C.
Protein change: p.Leu441Phe; replaces leucine 441 with phenylalanine.
Molecular consequence: missense variant.
Genome position (GRCh38, 1-based): chr4:112,430,870, G>C. VCF-style: chr4-112430870-G-C. GRCh37 (hg19) VCF-style: chr4-113352026-G-C.
Other names: c.1323G>C, p.Leu441Phe (NM_001102406.2); c.1089G>C, p.Leu363Phe (NM_001253884.2); short protein forms L441F, L363F.
Identifiers: ClinVar variation 1913976 (VCV001913976.5), dbSNP rs138466451, ClinGen allele CA3046707.